The following is an entry in ClinVar:

NC_000006.12:g.(?_49447660)_(49459506_?)del

Gene: MMUT (methylmalonyl-CoA mutase; minus strand). Cytogenetic location: 6p12.3.
Variant type: Deletion.
Identifiers: ClinVar variation 833159 (VCV000833159.6).

ClinVar aggregate classification (germline): Pathogenic. Review status: criteria provided, single submitter (1 of 4 stars). 2 submissions from 1 submitter: Pathogenic (1). 1 of the submissions does not count toward it. Last evaluated 2019-12-30.

Conditions:
Methylmalonic aciduria due to methylmalonyl-CoA mutase deficiency (MAMM). Also called: Methylmalonic aciduria, mut type. Identifiers: Orphanet 27, MedGen C1855114, MONDO:0009612, OMIM 251000.

Submissions (2):

Labcorp Genetics (formerly Invitae), Labcorp
Classification: Pathogenic. Last evaluated: 2019-12-30. Review status: criteria provided, single submitter. Criteria: Invitae Variant Classification Sherloc (09022015). Collection method: clinical testing. Allele origin: germline.
Comment: This variant is a gross deletion of the genomic region encompassing exons 2-8 of the MUT gene, which includes the initiator codon. The 5' end of this event is unknown as it extends beyond the assayed region for this gene and therefore may encompass additional genes. The 3' boundary is likely confined to intron 8 of the MUT gene. This is expected to result in an absent or disrupted protein product. This variant has not been reported in the literature in individuals with MUT-related conditions. Loss-of-function variants in MUT are known to be pathogenic (PMID: 15781192). For these reasons, this variant has been classified as Pathogenic.

Labcorp Genetics (formerly Invitae), Labcorp
Classification: Pathogenic for Methylmalonic aciduria due to methylmalonyl-CoA mutase deficiency. Last evaluated: 2020-01-03. Review status: flagged submission. Criteria: Invitae Variant Classification Sherloc (09022015). Collection method: clinical testing. Allele origin: germline. Not counted in ClinVar's aggregate classification.
Comment: the same text as in the submission from Labcorp Genetics (formerly Invitae), Labcorp above.
ClinVar note: Reason: This record appears to be redundant with a more recent record from the same submitter.
ClinVar note: Notes: SCV001196923 appears to be redundant with SCV001580051.

Literature cited by the submitters: PubMed 15781192.